The following is an entry in ClinVar:

NM_003079.5(SMARCE1):c.293A>C (p.Lys98Thr)

Gene: SMARCE1 (SWI/SNF related BAF chromatin remodeling complex subunit E1; minus strand). Cytogenetic location: 17q21.2.
Variant type: single nucleotide variant.
Coding change: c.293A>C on transcript NM_003079.5 (MANE Select); coding-DNA position 293, A replaced by C.
Protein change: p.Lys98Thr; replaces lysine 98 with threonine.
Molecular consequence: missense variant.
Genome position (GRCh38, 1-based): chr17:40,636,471, T>G on the plus strand (A>C on the coding strand, the complement: SMARCE1 is on the minus strand). VCF-style: chr17-40636471-T-G. GRCh37 (hg19) VCF-style: chr17-38792723-T-G.
Other names: short protein forms K98T.
Identifiers: ClinVar variation 4170320 (VCV004170320.1).
Genomic context (GRCh38, chr17:40,636,471, plus strand): 5'-TCGTTTAAATATTCTTGTTTTTCTTCATCAGTGAGATCTCGCCACATGCCACCAATAATC[T>G]TGCCAATCTCCCACAACTTTAGGTCAGGGTTGGAAGCCTTTACTTGGTCCCAGACCTTAA-3'
Protein context (NP_003070.3, residues 88-108): NPDLKLWEIG[Lys98Thr]IIGGMWRDLT

ClinVar aggregate classification (germline): Uncertain significance (1 of 4 stars; one submission).

Conditions:
Hereditary cancer-predisposing syndrome. Also called: Neoplastic Syndromes, Hereditary; Tumor predisposition; Hereditary Cancer Syndrome; Hereditary neoplastic syndrome. Identifiers: Orphanet 140162, MedGen C0027672, MeSH D009386, MONDO:0015356.

Submission:

Ambry Genetics
Classification: Uncertain significance for Hereditary cancer-predisposing syndrome. Last evaluated: 2025-07-14. Review status: criteria provided, single submitter. Criteria: Ambry Variant Classification Scheme 2023. Collection method: clinical testing. Allele origin: germline.
Comment: The p.K98T variant (also known as c.293A>C), located in coding exon 5 of the SMARCE1 gene, results from an A to C substitution at nucleotide position 293. The lysine at codon 98 is replaced by threonine, an amino acid with similar properties. This amino acid position is conserved. In addition, this alteration is predicted to be deleterious by in silico analysis. Based on the available evidence, the clinical significance of this variant remains unclear.